The following is an entry in ClinVar:

ClinVar aggregate classification (germline): Conflicting classifications of pathogenicity. Review status: criteria provided, conflicting classifications (1 of 4 stars). 3 submissions from 3 submitters: Uncertain significance (1); Likely benign (2). Last evaluated 2026-01-28.

Conditions:
Symmetrical dyschromatosis of extremities (DSH). Also called: RETICULATE ACROPIGMENTATION OF DOHI; SYMMETRIC DYSCHROMATOSIS OF THE EXTREMITIES; DYSCHROMATOSIS SYMMETRICA HEREDITARIA 1; Dyschromatosis symmetrica hereditaria. Identifiers: Orphanet 41, MedGen C0406775, MONDO:0007483, OMIM 127400.
Aicardi-Goutieres syndrome 6 (AGS6). Identifiers: Orphanet 51, MedGen C3539013, MONDO:0014007, OMIM 615010.

Allele frequency attached by ClinVar (database versions not stated): TOPMed 0.00006; ExAC 0.00028; 1000 Genomes Project 30x 0.00047; gnomAD 0.00047 and 0.00048; gnomAD exomes 0.00047; 1000 Genomes Project 0.00060.
gnomAD v4.1: 330 of 1,614,220 alleles (0.02%); highest among the groups gnomAD compares: Middle Eastern, 0.049%; 1 homozygote.

Submissions (3):

Labcorp Genetics (formerly Invitae), Labcorp
Classification: Likely benign for Aicardi-Goutieres syndrome 6; Symmetrical dyschromatosis of extremities. Last evaluated: 2026-01-28. Review status: criteria provided, single submitter. Criteria: Invitae Variant Classification Sherloc (09022015). Collection method: clinical testing. Allele origin: germline.

Blueprint Genetics
Classification: Likely benign. Last evaluated: 2024-10-28. Review status: criteria provided, single submitter. Criteria: ACMG Guidelines, 2015. Collection method: clinical testing. Allele origin: germline.

GeneDx
Classification: Uncertain significance. Last evaluated: 2024-08-15. Review status: criteria provided, single submitter. Criteria: GeneDx Variant Classification Process June 2021. Collection method: clinical testing. Allele origin: germline. Affected: yes.
Comment: In silico analysis indicates that this missense variant does not alter protein structure/function; This variant is associated with the following publications: (PMID: 31320745, 31772029, 24262145, 24183309, 36889460, 35832578, 37740860, 37421629, 27943079)

NM_001111.5(ADAR):c.518A>G (p.Asn173Ser)

Gene: ADAR (adenosine deaminase RNA specific; minus strand). Cytogenetic location: 1q21.3.
Variant type: single nucleotide variant.
Coding change: c.518A>G on transcript NM_001111.5 (MANE Select); coding-DNA position 518, A replaced by G.
Protein change: p.Asn173Ser; replaces asparagine 173 with serine.
Molecular consequence: missense variant. On other transcripts: 5 prime UTR variant (6).
Genome position (GRCh38, 1-based): chr1:154,602,124, T>C on the plus strand (A>G on the coding strand, the complement: ADAR is on the minus strand). VCF-style: chr1-154602124-T-C. GRCh37 (hg19) VCF-style: chr1-154574600-T-C.
Other names: c.-368A>G (NM_001025107.3, NM_001193495.2, NM_001365046.1 and 3 more transcripts); c.545A>G, p.Asn182Ser (NM_001365045.1); c.518A>G, p.Asn173Ser (NM_015840.4, NM_015841.4); short protein forms N182S, N173S.
Identifiers: ClinVar variation 767142 (VCV000767142.14), dbSNP rs201331183, ClinGen allele CA1131690.